The following is an entry in ClinVar:

ClinVar aggregate classification (germline): Pathogenic (0 of 4 stars; one submission).

Conditions:
Alkaptonuria (AKU). Also called: Alkaptonuric ochronosis; Homogentisic acidura; Alcaptonuria; HOMOGENTISIC ACID OXIDASE DEFICIENCY. Identifiers: Orphanet 56, MedGen C0002066, MONDO:0008753, OMIM 203500.

Submission:

Department Of Human Genetics, Institute Of Clinical And Translational Research, Biomedical Research Center, Slovak Academy Of Sciences
Classification: Pathogenic for Alkaptonuria. Review status: no assertion criteria provided. Collection method: research. Allele origin: germline. Inheritance: Autosomal recessive inheritance. Affected: yes. Observed: 2 variant alleles.
Comment: The variant has been submitted to the HGD gene mutation database (DB-ID: AKU_00207).

NM_000187.4(HGD):c.1034T>G (p.Leu345Arg)

Gene: HGD (homogentisate 1,2-dioxygenase; minus strand). Cytogenetic location: 3q13.33.
Variant type: single nucleotide variant.
Coding change: c.1034T>G on transcript NM_000187.4 (MANE Select); coding-DNA position 1034, T replaced by G.
Protein change: p.Leu345Arg; replaces leucine 345 with arginine.
Molecular consequence: missense variant.
Genome position (GRCh38, 1-based): chr3:120,633,301, A>C on the plus strand (T>G on the coding strand, the complement: HGD is on the minus strand). VCF-style: chr3-120633301-A-C. GRCh37 (hg19) VCF-style: chr3-120352148-A-C.
Other names: short protein forms L345R.
Identifiers: ClinVar variation 2627721 (VCV002627721.1), dbSNP rs1398420804, ClinGen allele CA354072976.